The following is an entry in ClinVar:

NM_007294.4(BRCA1):c.5458G>T (p.Gly1820Cys)

Gene: BRCA1 (BRCA1 DNA repair associated; minus strand). Cytogenetic location: 17q21.31.
Variant type: single nucleotide variant.
Coding change: c.5458G>T on transcript NM_007294.4 (MANE Select); coding-DNA position 5458, G replaced by T.
Protein change: p.Gly1820Cys; replaces glycine 1820 with cysteine.
Molecular consequence: missense variant. On other transcripts: non-coding transcript variant (1).
Genome position (GRCh38, 1-based): chr17:43,047,652, C>A on the plus strand (G>T on the coding strand, the complement: BRCA1 is on the minus strand). VCF-style: chr17-43047652-C-A. GRCh37 (hg19) VCF-style: chr17-41199669-C-A.
Other names: c.2146G>T, p.Gly716Cys (NM_007298.4, NM_007304.2, NM_001407991.1 and 11 more transcripts); c.2072G>T, p.Trp691Leu (NM_007299.4, NM_001408472.1); c.5521G>T, p.Gly1841Cys (NM_007300.4, NM_001407583.1, NM_001407585.1 and 1 more transcripts); c.5245G>T, p.Gly1749Cys (NM_001407571.1, NM_001407907.1, NM_001407908.1 and 12 more transcripts); c.5524G>T, p.Gly1842Cys (NM_001407581.1, NM_001407582.1); c.5518G>T, p.Gly1840Cys (NM_001407590.1, NM_001407591.1); c.5458G>T, p.Gly1820Cys (NM_001407593.1, NM_001407594.1, NM_001407596.1 and 5 more transcripts); c.5455G>T, p.Gly1819Cys (NM_001407614.1, NM_001407615.1, NM_001407616.1 and 14 more transcripts); and 83 more; short protein forms G1773C, G1841C, G716C, W691L, G1820C, G1523C, G1651C, G1707C.
Identifiers: ClinVar variation 865543 (VCV000865543.3), dbSNP rs398122698, ClinGen allele CA10590457.

Conditions:
Breast-ovarian cancer, familial, susceptibility to, 1 (BROVCA1). Also called: BRCA1 Hereditary Breast and Ovarian Cancer; OVARIAN CANCER, SUSCEPTIBILITY TO. Identifiers: Orphanet 145, MedGen C2676676, MONDO:0011450, OMIM 604370. Disease mechanism: loss of function.

Submission:

Brotman Baty Institute, University of Washington
No classification provided (evidence only). Condition: Breast-ovarian cancer, familial 1. Review status: no classification provided. Collection method: in vitro. Allele origin: not applicable. Functional consequence: functionally_normal.
ClinVar note: "not provided" was previously submitted as the classification for the variant. However, the classification appeared to be based only on an observation of functional data so it was converted to no classification on 2025-07-30.